The following is an entry in ClinVar:

ClinVar aggregate classification (germline): Uncertain significance. Review status: criteria provided, multiple submitters, no conflicts (2 of 4 stars). 4 submissions from 4 submitters: Uncertain significance (4). Last evaluated 2025-10-28.

Conditions:
DNMT1-related disorder. Also called: DNMT1-related condition. Identifiers: MedGen CN381527.
Inborn genetic diseases. Identifiers: MedGen C0950123, MeSH D030342.
Hereditary sensory neuropathy-deafness-dementia syndrome. Also called: Hereditary Sensory and Autonomic Neuropathy Type 1E (HSAN1E); HSN IE; Hereditary sensory neuropathy type IE; NEUROPATHY, HEREDITARY SENSORY, WITH HEARING LOSS AND DEMENTIA. Identifiers: Orphanet 456318, MedGen C3279885, MONDO:0013584, OMIM 614116.

Allele frequency attached by ClinVar (database versions not stated): TOPMed 0.00001; ExAC 0.00002; gnomAD exomes 0.00002; gnomAD 0.00004.
gnomAD v4.1: 32 of 1,613,708 alleles (0.002%); highest among the groups gnomAD compares: African/African-American, 0.011%; no homozygotes.

Submissions (4):

Labcorp Genetics (formerly Invitae), Labcorp
Classification: Uncertain significance for Hereditary sensory neuropathy-deafness-dementia syndrome. Last evaluated: 2025-10-28. Review status: criteria provided, single submitter. Criteria: Invitae Variant Classification Sherloc (09022015). Collection method: clinical testing. Allele origin: germline.
Comment: This sequence change replaces threonine, which is neutral and polar, with methionine, which is neutral and non-polar, at codon 1179 of the DNMT1 protein (p.Thr1179Met). This variant is present in population databases (rs764541314, gnomAD 0.008%). This variant has not been reported in the literature in individuals affected with DNMT1-related conditions. ClinVar contains an entry for this variant (Variation ID: 967848). Invitae Evidence Modeling of protein sequence and biophysical properties (such as structural, functional, and spatial information, amino acid conservation, physicochemical variation, residue mobility, and thermodynamic stability) indicates that this missense variant is not expected to disrupt DNMT1 protein function with a negative predictive value of 80%. In summary, the available evidence is currently insufficient to determine the role of this variant in disease. Therefore, it has been classified as a Variant of Uncertain Significance.

PreventionGenetics, part of Exact Sciences
Classification: Uncertain significance for DNMT1-related condition. Last evaluated: 2025-05-14. Review status: criteria provided, single submitter. Criteria: ACMG Guidelines, 2015. Collection method: clinical testing. Allele origin: germline.
Comment: The DNMT1 c.3536C>T variant is predicted to result in the amino acid substitution p.Thr1179Met. To our knowledge, this variant has not been reported in the literature. This variant is reported in 0.0041% of alleles in individuals of African descent in gnomAD. At this time, the clinical significance of this variant is uncertain due to the absence of conclusive functional and genetic evidence.

Revvity Omics, Revvity
Classification: Uncertain significance. Last evaluated: 2020-12-22. Review status: criteria provided, single submitter. Criteria: ACMG Guidelines, 2015. Collection method: clinical testing. Allele origin: germline.

Ambry Genetics
Classification: Uncertain significance for Inborn genetic diseases. Last evaluated: 2020-01-03. Review status: criteria provided, single submitter. Criteria: Ambry Variant Classification Scheme 2023. Collection method: clinical testing. Allele origin: germline.
Comment: The p.T1163M variant (also known as c.3488C>T), located in coding exon 32 of the DNMT1 gene, results from a C to T substitution at nucleotide position 3488. The threonine at codon 1163 is replaced by methionine, an amino acid with similar properties. This amino acid position is highly conserved in available vertebrate species. In addition, the in silico prediction for this alteration is inconclusive. Since supporting evidence is limited at this time, the clinical significance of this alteration remains unclear.

NM_001130823.3(DNMT1):c.3536C>T (p.Thr1179Met)

Gene: DNMT1 (DNA methyltransferase 1; minus strand). Cytogenetic location: 19p13.2.
Variant type: single nucleotide variant.
Coding change: c.3536C>T on transcript NM_001130823.3 (MANE Select); coding-DNA position 3536, C replaced by T.
Protein change: p.Thr1179Met; replaces threonine 1179 with methionine.
Molecular consequence: missense variant.
Genome position (GRCh38, 1-based): chr19:10,140,316, G>A on the plus strand (C>T on the coding strand, the complement: DNMT1 is on the minus strand). VCF-style: chr19-10140316-G-A. GRCh37 (hg19) VCF-style: chr19-10250992-G-A.
Other names: c.3488C>T, p.Thr1163Met (NM_001318730.2, NM_001379.4); c.3173C>T, p.Thr1058Met (NM_001318731.2); c.3536C>T (NM_001130823.2); short protein forms T1058M, T1163M, T1179M.
Identifiers: ClinVar variation 967848 (VCV000967848.13), dbSNP rs764541314, ClinGen allele CA9187710.